The following is an entry in ClinVar:

NM_000489.6(ATRX):c.525A>G (p.Gly175=)

Gene: ATRX (ATRX chromatin remodeler; minus strand). Cytogenetic location: Xq21.1.
Variant type: single nucleotide variant.
Coding change: c.525A>G on transcript NM_000489.6 (MANE Select); coding-DNA position 525, A replaced by G.
Protein change: p.Gly175=; no amino-acid change (glycine 175 retained).
Molecular consequence: synonymous variant.
Genome position (GRCh38, 1-based): chrX:77,688,887, T>C on the plus strand (A>G on the coding strand, the complement: ATRX is on the minus strand). VCF-style: chrX-77688887-T-C. GRCh37 (hg19) VCF-style: chrX-76944380-T-C.
Other names: c.411A>G, p.Gly137= (NM_138270.5).
Identifiers: ClinVar variation 2898067 (VCV002898067.3), dbSNP rs2071729788, ClinGen allele CA517377298.

ClinVar aggregate classification (germline): Uncertain significance (1 of 4 stars; one submission).

Conditions:
Alpha thalassemia-X-linked intellectual disability syndrome (ATRX). Also called: ALPHA-THALASSEMIA/MENTAL RETARDATION SYNDROME, X-LINKED; ATR, NONDELETION TYPE; ATR-X syndrome; Alpha thalassemia mental retardation syndrome, nondeletion type, X-linked; XLMR hypotonic face syndrome; X-linked alpha-thalassemia-mental retardation syndrome. Identifiers: Orphanet 847, MedGen C1845055, MONDO:0010519, OMIM 301040.

Allele frequency attached by ClinVar (database versions not stated): gnomAD exomes 0.00001.
gnomAD v4.1: 7 of 1,211,233 alleles (0.00058%); highest among the groups gnomAD compares: East Asian, 0.0089%; no homozygotes.

Submission:

Labcorp Genetics (formerly Invitae), Labcorp
Classification: Uncertain significance for Alpha thalassemia-X-linked intellectual disability syndrome. Last evaluated: 2024-05-13. Review status: criteria provided, single submitter. Criteria: Invitae Variant Classification Sherloc (09022015). Collection method: clinical testing. Allele origin: germline.
Comment: This sequence change affects codon 175 of the ATRX mRNA. It is a 'silent' change, meaning that it does not change the encoded amino acid sequence of the ATRX protein. This variant is not present in population databases (gnomAD no frequency). This variant has not been reported in the literature in individuals affected with ATRX-related conditions. Algorithms developed to predict the effect of sequence changes on RNA splicing suggest that this variant may disrupt the consensus splice site. In summary, the available evidence is currently insufficient to determine the role of this variant in disease. Therefore, it has been classified as a Variant of Uncertain Significance.